The following is an entry in ClinVar:

NM_006767.4(LZTR1):c.2099T>C (p.Met700Thr)

Gene: LZTR1 (leucine zipper like post translational regulator 1; plus strand). Cytogenetic location: 22q11.21.
Variant type: single nucleotide variant.
Coding change: c.2099T>C on transcript NM_006767.4 (MANE Select); coding-DNA position 2099, T replaced by C.
Protein change: p.Met700Thr; replaces methionine 700 with threonine.
Molecular consequence: missense variant.
Genome position (GRCh38, 1-based): chr22:20,995,992, T>C. VCF-style: chr22-20995992-T-C. GRCh37 (hg19) VCF-style: chr22-21350281-T-C.
Other names: short protein forms M700T.
Identifiers: ClinVar variation 5023812 (VCV005023812.1).

ClinVar aggregate classification (germline): Uncertain significance (1 of 4 stars; one submission).

Conditions:
Cardiovascular phenotype. Identifiers: MedGen CN230736.
Hereditary cancer-predisposing syndrome. Also called: Neoplastic Syndromes, Hereditary; Tumor predisposition; Hereditary neoplastic syndrome; Hereditary Cancer Syndrome. Identifiers: Orphanet 140162, MedGen C0027672, MeSH D009386, MONDO:0015356.

Submission:

Ambry Genetics
Classification: Uncertain significance for Cardiovascular phenotype; Hereditary cancer-predisposing syndrome. Last evaluated: 2026-09-09. Review status: criteria provided, single submitter. Criteria: Ambry Variant Classification Scheme 2023. Collection method: clinical testing. Allele origin: germline.
Comment: The p.M700T variant (also known as c.2099T>C), located in coding exon 18 of the LZTR1 gene, results from a T to C substitution at nucleotide position 2099. The methionine at codon 700 is replaced by threonine, an amino acid with similar properties. This amino acid position is conserved. In addition, this alteration is predicted to be deleterious by in silico analysis. Based on the available evidence, the clinical significance of this variant remains unclear.